The following is an entry in ClinVar:

ClinVar aggregate classification (germline): Uncertain significance (1 of 4 stars; one submission).

Conditions:
Primary ciliary dyskinesia. Also called: Ciliary dyskinesia. Identifiers: Orphanet 244, MedGen C0008780, MONDO:0016575, HP:0012265.

Submission:

Labcorp Genetics (formerly Invitae), Labcorp
Classification: Uncertain significance for Primary ciliary dyskinesia. Last evaluated: 2019-05-09. Review status: criteria provided, single submitter. Criteria: Invitae Variant Classification Sherloc (09022015). Collection method: clinical testing. Allele origin: germline.
Comment: This sequence change replaces aspartic acid with asparagine at codon 2748 of the DNAH11 protein (p.Asp2748Asn). The aspartic acid residue is highly conserved and there is a small physicochemical difference between aspartic acid and asparagine. This variant is not present in population databases (ExAC no frequency). ClinVar contains an entry for this variant (Variation ID: 454713). Algorithms developed to predict the effect of missense changes on protein structure and function are either unavailable or do not agree on the potential impact of this missense change (SIFT: "Deleterious"; PolyPhen-2: "Probably Damaging"; Align-GVGD: "Class C15"). In summary, the available evidence is currently insufficient to determine the role of this variant in disease. Therefore, it has been classified as a Variant of Uncertain Significance.

NM_001277115.2(DNAH11):c.8242G>A (p.Asp2748Asn)

Gene: DNAH11 (dynein axonemal heavy chain 11; plus strand). Cytogenetic location: 7p15.3.
Variant type: single nucleotide variant.
Coding change: c.8242G>A on transcript NM_001277115.2 (MANE Select); coding-DNA position 8242, G replaced by A.
Protein change: p.Asp2748Asn; replaces aspartic acid 2748 with asparagine.
Molecular consequence: missense variant.
Genome position (GRCh38, 1-based): chr7:21,744,525, G>A. VCF-style: chr7-21744525-G-A. GRCh37 (hg19) VCF-style: chr7-21784143-G-A.
Other names: short protein forms D2748N.
Identifiers: ClinVar variation 454713 (VCV000454713.11), dbSNP rs1554276379, ClinGen allele CA366953719.